The following is an entry in ClinVar:

ClinVar aggregate classification (germline): Pathogenic/Likely pathogenic. Review status: criteria provided, multiple submitters, no conflicts (2 of 4 stars). 3 submissions from 3 submitters: Pathogenic (1); Likely pathogenic (1). 1 of the submissions does not count toward it. Last evaluated 2025-08-22.

Conditions:
Bardet-Biedl syndrome 1 (BBS1). Identifiers: MedGen C2936862, MONDO:0008854, OMIM 209900. Disease mechanism: loss of function.
Bardet-Biedl syndrome (BBS). Identifiers: Orphanet 110, MedGen C0752166, MONDO:0015229.

Submissions (3):

Myriad Genetics, Inc.
Classification: Likely pathogenic for Bardet-Biedl syndrome 1. Last evaluated: 2025-08-22. Review status: criteria provided, single submitter. Criteria: Myriad Autosomal Dominant, Autosomal Recessive and X-Linked Classification Criteria (2023). Collection method: clinical testing. Allele origin: unknown.
Comment: NM_024649.4(BBS1):c.1340-1G>T is a variant in a canonical splice site classified as likely pathogenic in the context of Bardet-Biedl syndrome, BBS1-related. c.1340-1G>T has been observed in cases with relevant disease (PMID: 34940782). Relevant functional assessments of this variant are not available in the literature. c.1340-1G>T has not been observed in referenced population frequency databases. In summary, NM_024649.4(BBS1):c.1340-1G>T is a variant in a canonical splice site in a gene where loss of function is a known mechanism of disease, is predicted to disrupt protein function, and has been observed more frequently in cases with the relevant disease than in healthy populations. Please note: this variant was assessed in the context of healthy population screening.

Labcorp Genetics (formerly Invitae), Labcorp
Classification: Pathogenic for Bardet-Biedl syndrome. Last evaluated: 2023-09-30. Review status: criteria provided, single submitter. Criteria: Invitae Variant Classification Sherloc (09022015). Collection method: clinical testing. Allele origin: germline.
Comment: This sequence change affects an acceptor splice site in intron 13 of the BBS1 gene. It is expected to disrupt RNA splicing. Variants that disrupt the donor or acceptor splice site typically lead to a loss of protein function (PMID: 16199547), and loss-of-function variants in BBS1 are known to be pathogenic (PMID: 12118255, 21520335, 27032803). This variant is not present in population databases (gnomAD no frequency). Disruption of this splice site has been observed in individuals with clinical features of Bardet-Biedl syndrome (PMID: 34940782). ClinVar contains an entry for this variant (Variation ID: 553542). Algorithms developed to predict the effect of sequence changes on RNA splicing suggest that this variant may disrupt the consensus splice site. For these reasons, this variant has been classified as Pathogenic.

Counsyl
Classification: Likely pathogenic for Bardet-Biedl syndrome 1. Last evaluated: 2017-08-29. Review status: no assertion criteria provided. Collection method: clinical testing. Allele origin: unknown. Not counted in ClinVar's aggregate classification.

Literature cited by the submitters: PubMed 34940782 (cited by Myriad Genetics, Inc. and Labcorp Genetics (formerly Invitae), Labcorp); PubMed 16199547 (cited by Labcorp Genetics (formerly Invitae), Labcorp); PubMed 12118255 (cited by Labcorp Genetics (formerly Invitae), Labcorp); PubMed 21520335 (cited by Labcorp Genetics (formerly Invitae), Labcorp); PubMed 27032803 (cited by Labcorp Genetics (formerly Invitae), Labcorp).

NM_024649.5(BBS1):c.1340-1G>T

Genes: BBS1 (Bardet-Biedl syndrome 1; plus strand), ZDHHC24 (zDHHC palmitoyltransferase 24; minus strand). Cytogenetic location: 11q13.2.
Variant type: single nucleotide variant.
Coding change: c.1340-1G>T on transcript NM_024649.5 (MANE Select); the canonical splice acceptor site of the intron before coding-DNA position 1340, G replaced by T.
Molecular consequence: splice acceptor variant. On other transcripts: intron variant (1).
Genome position (GRCh38, 1-based): chr11:66,529,818, G>T. VCF-style: chr11-66529818-G-T. GRCh37 (hg19) VCF-style: chr11-66297289-G-T.
Other names: c.560-330C>A (NM_001348571.2).
Identifiers: ClinVar variation 553542 (VCV000553542.11), dbSNP rs1555049893, ClinGen allele CA381423850.